The following is an entry in ClinVar:

ClinVar aggregate classification (germline): Uncertain significance (1 of 4 stars; one submission).

Allele frequency attached by ClinVar (database versions not stated): gnomAD exomes below 0.00001; gnomAD 0.00001.

Submission:

Labcorp Genetics (formerly Invitae), Labcorp
Classification: Uncertain significance. Last evaluated: 2020-11-04. Review status: criteria provided, single submitter. Criteria: Invitae Variant Classification Sherloc (09022015). Collection method: clinical testing. Allele origin: germline.
Comment: In summary, the available evidence is currently insufficient to determine the role of this variant in disease. Therefore, it has been classified as a Variant of Uncertain Significance. Algorithms developed to predict the effect of missense changes on protein structure and function are either unavailable or do not agree on the potential impact of this missense change (SIFT: "Deleterious"; PolyPhen-2: "Probably Damaging"; Align-GVGD: "Class C0"). This variant has not been reported in the literature in individuals with MCM4-related conditions. This variant is not present in population databases (ExAC no frequency). This sequence change replaces threonine with isoleucine at codon 611 of the MCM4 protein (p.Thr611Ile). The threonine residue is highly conserved and there is a moderate physicochemical difference between threonine and isoleucine.

NM_182746.3(MCM4):c.1832C>T (p.Thr611Ile)

Gene: MCM4 (minichromosome maintenance complex component 4; plus strand). Cytogenetic location: 8q11.21.
Variant type: single nucleotide variant.
Coding change: c.1832C>T on transcript NM_182746.3 (MANE Select); coding-DNA position 1832, C replaced by T.
Protein change: p.Thr611Ile; replaces threonine 611 with isoleucine.
Molecular consequence: missense variant.
Genome position (GRCh38, 1-based): chr8:47,971,372, C>T. VCF-style: chr8-47971372-C-T. GRCh37 (hg19) VCF-style: chr8-48883932-C-T.
Other names: c.1832C>T, p.Thr611Ile (NM_005914.4); short protein forms T611I.
Identifiers: ClinVar variation 1525201 (VCV001525201.8), dbSNP rs1254995490, ClinGen allele CA371153246.